The following is an entry in ClinVar:

NM_000443.4(ABCB4):c.2683-14A>G

Gene: ABCB4 (ATP binding cassette subfamily B member 4; minus strand). Cytogenetic location: 7q21.12.
Variant type: single nucleotide variant.
Coding change: c.2683-14A>G on transcript NM_000443.4 (MANE Select); 14 bases into the intron before coding-DNA position 2683, A replaced by G.
Molecular consequence: intron variant.
Genome position (GRCh38, 1-based): chr7:87,413,731, T>C on the plus strand (A>G on the coding strand, the complement: ABCB4 is on the minus strand). VCF-style: chr7-87413731-T-C. GRCh37 (hg19) VCF-style: chr7-87043047-T-C.
Other names: p.?; c.2683-14A>G (NM_018850.3, NM_018849.3).
Identifiers: ClinVar variation 2955752 (VCV002955752.4), dbSNP rs369207501, ClinGen allele CA4326960.

ClinVar aggregate classification (germline): Likely benign. Review status: criteria provided, multiple submitters, no conflicts (2 of 4 stars). 2 submissions from 2 submitters: Likely benign (2). Last evaluated 2024-10-29.

Allele frequency attached by ClinVar (database versions not stated): gnomAD exomes 0.00002; ExAC 0.00005; ESP Exome Variant Server 0.00008; TOPMed 0.00011; gnomAD 0.00012.
gnomAD v4.1: 47 of 1,519,624 alleles (0.0031%); highest among the groups gnomAD compares: African/African-American, 0.041%; no homozygotes.

Submissions (2):

Mayo Clinic Laboratories, Mayo Clinic
Classification: Likely benign. Last evaluated: 2024-10-29. Review status: criteria provided, single submitter. Criteria: ACMG Guidelines, 2015. Collection method: clinical testing. Allele origin: germline. Observed: 1 variant allele.
Comment: BP4, BP7

Labcorp Genetics (formerly Invitae), Labcorp
Classification: Likely benign. Last evaluated: 2024-01-24. Review status: criteria provided, single submitter. Criteria: Invitae Variant Classification Sherloc (09022015). Collection method: clinical testing. Allele origin: germline.